The following is an entry in ClinVar:

ClinVar aggregate classification (germline): Uncertain significance. Review status: criteria provided, multiple submitters, no conflicts (2 of 4 stars). 2 submissions from 2 submitters: Uncertain significance (2). Last evaluated 2025-10-23.

Allele frequency attached by ClinVar (database versions not stated): ExAC 0.00002; gnomAD exomes 0.00002 and 0.00007; TOPMed 0.00005; ESP Exome Variant Server 0.00008.
gnomAD v4.1: 104 of 1,613,924 alleles (0.0064%); highest among the groups gnomAD compares: Non-Finnish European, 0.0084%; no homozygotes.

Submissions (2):

Ambry Genetics
Classification: Uncertain significance. Last evaluated: 2025-10-23. Review status: criteria provided, single submitter. Criteria: Ambry Variant Classification Scheme 2023. Collection method: clinical testing. Allele origin: germline.

Labcorp Genetics (formerly Invitae), Labcorp
Classification: Uncertain significance. Last evaluated: 2024-10-10. Review status: criteria provided, single submitter. Criteria: Invitae Variant Classification Sherloc (09022015). Collection method: clinical testing. Allele origin: germline.
Comment: This sequence change replaces tryptophan, which is neutral and slightly polar, with cysteine, which is neutral and slightly polar, at codon 408 of the A2ML1 protein (p.Trp408Cys). This variant is present in population databases (rs372461898, gnomAD 0.004%). This variant has not been reported in the literature in individuals affected with A2ML1-related conditions. ClinVar contains an entry for this variant (Variation ID: 939899). An algorithm developed to predict the effect of missense changes on protein structure and function (PolyPhen-2) suggests that this variant is likely to be disruptive. In summary, the available evidence is currently insufficient to determine the role of this variant in disease. Therefore, it has been classified as a Variant of Uncertain Significance.

NM_144670.6(A2ML1):c.1224G>C (p.Trp408Cys)

Gene: A2ML1 (alpha-2-macroglobulin like 1; plus strand). Cytogenetic location: 12p13.31.
Variant type: single nucleotide variant.
Coding change: c.1224G>C on transcript NM_144670.6 (MANE Select); coding-DNA position 1224, G replaced by C.
Protein change: p.Trp408Cys; replaces tryptophan 408 with cysteine.
Molecular consequence: missense variant.
Genome position (GRCh38, 1-based): chr12:8,841,512, G>C. VCF-style: chr12-8841512-G-C. GRCh37 (hg19) VCF-style: chr12-8994108-G-C.
Other names: short protein forms W408C.
Identifiers: ClinVar variation 939899 (VCV000939899.13), dbSNP rs372461898, ClinGen allele CA6435567.